The following is an entry in ClinVar:

NM_001267550.2(TTN):c.83139A>G (p.Glu27713=)

Genes: TTN (titin; minus strand), TTN-AS1 (TTN antisense RNA 1; plus strand). Cytogenetic location: 2q31.2.
Variant type: single nucleotide variant.
Coding change: c.83139A>G on transcript NM_001267550.2 (MANE Select); coding-DNA position 83139, A replaced by G.
Protein change: p.Glu27713=; no amino-acid change (glutamic acid 27713 retained).
Molecular consequence: synonymous variant.
Genome position (GRCh38, 1-based): chr2:178,562,993, T>C on the plus strand (A>G on the coding strand, the complement: TTN is on the minus strand). VCF-style: chr2-178562993-T-C. GRCh37 (hg19) VCF-style: chr2-179427720-T-C.
Other names: c.78216A>G, p.Glu26072= (NM_001256850.1); c.55944A>G, p.Glu18648= (NM_003319.4); c.75435A>G, p.Glu25145= (NM_133378.4); c.56319A>G, p.Glu18773= (NM_133432.3); c.56520A>G, p.Glu18840= (NM_133437.4).
Identifiers: ClinVar variation 1618776 (VCV001618776.35), dbSNP rs779302196, ClinGen allele CA1988964.

ClinVar aggregate classification (germline): Likely benign. Review status: criteria provided, multiple submitters, no conflicts (2 of 4 stars). 5 submissions from 5 submitters: Likely benign (5). Last evaluated 2025-07-29.

Conditions:
Dilated cardiomyopathy 1G (CMD1G). Identifiers: Orphanet 154, MedGen C1858763, MONDO:0011400, OMIM 604145.
Autosomal recessive limb-girdle muscular dystrophy type 2J (LGMDR10). Also called: Limb-girdle muscular dystrophy, type 2J; MUSCULAR DYSTROPHY, LIMB-GIRDLE, AUTOSOMAL RECESSIVE 10. Identifiers: Orphanet 140922, MedGen C1837342, MONDO:0012127, OMIM 608807.
Cardiovascular phenotype. Identifiers: MedGen CN230736.

Allele frequency attached by ClinVar (database versions not stated): gnomAD exomes below 0.00001 and 0.00001; ExAC 0.00001; gnomAD 0.00001; TOPMed 0.00001.
gnomAD v4.1: 20 of 1,613,606 alleles (0.0012%); highest among the groups gnomAD compares: Non-Finnish European, 0.0017%; no homozygotes.

Submissions (5):

Ambry Genetics
Classification: Likely benign for Cardiovascular phenotype. Last evaluated: 2025-07-29. Review status: criteria provided, single submitter. Criteria: Ambry Variant Classification Scheme 2023. Collection method: clinical testing. Allele origin: germline.

Molecular Diagnostic Laboratory for Inherited Cardiovascular Disease, Montreal Heart Institute
Classification: Likely benign. Last evaluated: 2025-04-09. Review status: criteria provided, single submitter. Criteria: ACMG Guidelines, 2015. Collection method: clinical testing. Allele origin: germline. Affected: no.

Labcorp Genetics (formerly Invitae), Labcorp
Classification: Likely benign for Dilated cardiomyopathy 1G; Autosomal recessive limb-girdle muscular dystrophy type 2J. Last evaluated: 2024-05-29. Review status: criteria provided, single submitter. Criteria: Invitae Variant Classification Sherloc (09022015). Collection method: clinical testing. Allele origin: germline.

Blueprint Genetics
Classification: Likely benign. Last evaluated: 2023-11-06. Review status: criteria provided, single submitter. Criteria: ACMG Guidelines, 2015. Collection method: clinical testing. Allele origin: germline.

CeGaT Center for Human Genetics Tuebingen
Classification: Likely benign. Last evaluated: 2022-06-01. Review status: criteria provided, single submitter. Criteria: CeGaT Center For Human Genetics Tuebingen Variant Classification Criteria Version 2. Collection method: clinical testing. Allele origin: germline. Affected: yes. Observed: 1 variant allele.
Comment: TTN: BP4, BP7